The following is an entry in ClinVar:

ClinVar aggregate classification (germline): Uncertain significance (1 of 4 stars; one submission).

Conditions:
Chuvash polycythemia. Also called: POLYCYTHEMIA, VHL-DEPENDENT. Identifiers: Orphanet 238557, MedGen C1837915, MONDO:0009892, OMIM 263400.
Von Hippel-Lindau syndrome (VHLS). Also called: von Hippel–Lindau syndrome; VHL syndrome; Von Hippel-Lindau. Identifiers: Orphanet 892, MedGen C0019562, MONDO:0008667, OMIM 193300. Disease mechanism: loss of function.

Submission:

Labcorp Genetics (formerly Invitae), Labcorp
Classification: Uncertain significance for Von Hippel-Lindau syndrome; Chuvash polycythemia. Last evaluated: 2025-11-03. Review status: criteria provided, single submitter. Criteria: Invitae Variant Classification Sherloc (09022015). Collection method: clinical testing. Allele origin: germline.
Comment: This sequence change falls in intron 1 of the VHL gene. It is not expected to change the encoded amino acid sequence of the VHL protein. However, this sequence change falls within a cryptic exon in the VHL gene, known as exon E1’, which is naturally expressed at low levels in several human tissues (PMID: 29891534). This variant is not present in population databases (gnomAD no frequency). This variant has not been reported in the literature in individuals affected with VHL-related conditions. ClinVar contains an entry for this variant (Variation ID: 2934127). Algorithms developed to predict the effect of sequence changes on RNA splicing suggest that this variant is not likely to affect RNA splicing. In summary, the available evidence is currently insufficient to determine the role of this variant in disease. Therefore, it has been classified as a Variant of Uncertain Significance.

Literature cited by the submitters: PubMed 29891534.

NM_000551.4(VHL):c.340+700C>A

Genes: VHL (von Hippel-Lindau tumor suppressor; plus strand), LOC107303340 (3p25 von Hippel-Lindau tumor suppressor, E3 ubiquitin protein ligase Alu-mediated recombination region; plus strand). Cytogenetic location: 3p25.3.
Variant type: single nucleotide variant.
Coding change: c.340+700C>A on transcript NM_000551.4 (MANE Select); 700 bases into the intron after coding-DNA position 340, C replaced by A.
Molecular consequence: intron variant. On other transcripts: synonymous variant (1), non-coding transcript variant (1).
Genome position (GRCh38, 1-based): chr3:10,142,887, C>A. VCF-style: chr3-10142887-C-A. GRCh37 (hg19) VCF-style: chr3-10184571-C-A.
Other names: c.465C>A, p.Ala155= (NM_001354723.2); c.340+700C>A (NM_198156.3).
Identifiers: ClinVar variation 2934127 (VCV002934127.3), dbSNP rs778132298, ClinGen allele CA70046746.